The following is an entry in ClinVar:

NM_002148.4(HOXD10):c.*207_*208insGTATATATATATATATATAT

Gene: HOXD10 (homeobox D10; plus strand). Cytogenetic location: 2q31.1.
Variant type: Insertion.
Coding change: c.*207_*208insGTATATATATATATATATAT on transcript NM_002148.4 (MANE Select); 207 bases downstream of the stop codon through 208 bases downstream of the stop codon, GTATATATATATATATATAT inserted.
Molecular consequence: 3 prime UTR variant.
Genome position: GRCh38 VCF-style: chr2-176119435-G-GTATGTATATATATATATATA. GRCh37 (hg19) VCF-style: chr2-176984163-G-GTATGTATATATATATATATA.
Identifiers: ClinVar variation 2651563 (VCV002651563.24), dbSNP rs71409068, ClinGen allele CA761095455.

ClinVar aggregate classification (germline): Benign (1 of 4 stars; one submission).

Submission:

CeGaT Center for Human Genetics Tuebingen
Classification: Benign. Last evaluated: 2022-09-01. Review status: criteria provided, single submitter. Criteria: CeGaT Center For Human Genetics Tuebingen Variant Classification Criteria Version 2. Collection method: clinical testing. Allele origin: germline. Affected: yes. Observed: 1 variant allele.
Comment: HOXD10: BS1, BS2